The following is an entry in ClinVar:

NM_170784.3(MKKS):c.335C>G (p.Thr112Arg)

Gene: MKKS (MKKS centrosomal shuttling protein; minus strand). Cytogenetic location: 20p12.2.
Variant type: single nucleotide variant.
Coding change: c.335C>G on transcript NM_170784.3 (MANE Select); coding-DNA position 335, C replaced by G.
Protein change: p.Thr112Arg; replaces threonine 112 with arginine.
Molecular consequence: missense variant.
Genome position (GRCh38, 1-based): chr20:10,413,180, G>C on the plus strand (C>G on the coding strand, the complement: MKKS is on the minus strand). VCF-style: chr20-10413180-G-C. GRCh37 (hg19) VCF-style: chr20-10393828-G-C.
Other names: c.335C>G (NM_018848.2); c.335C>G, p.Thr112Arg (NM_018848.3); short protein forms T112R.
Identifiers: ClinVar variation 1898218 (VCV001898218.6), dbSNP rs779747206, ClinGen allele CA9763703.

ClinVar aggregate classification (germline): Uncertain significance. Review status: criteria provided, multiple submitters, no conflicts (2 of 4 stars). 2 submissions from 2 submitters: Uncertain significance (2). Last evaluated 2024-01-23.

Conditions:
Inborn genetic diseases. Identifiers: MedGen C0950123, MeSH D030342.
Bardet-Biedl syndrome (BBS). Identifiers: Orphanet 110, MedGen C0752166, MONDO:0015229.
McKusick-Kaufman syndrome (MKKS). Also called: HYDROMETROCOLPOS SYNDROME; HYDROMETROCOLPOS, POSTAXIAL POLYDACTYLY, AND CONGENITAL HEART MALFORMATION. Identifiers: Orphanet 2473, MedGen C0948368, MONDO:0009367, OMIM 236700.

Allele frequency attached by ClinVar (database versions not stated): TOPMed below 0.00001; ExAC 0.00001.
gnomAD v4.1: 2 of 1,614,084 alleles (0.00012%); highest among the groups gnomAD compares: Admixed American, 0.0017%; no homozygotes.

Submissions (2):

Ambry Genetics
Classification: Uncertain significance for Inborn genetic diseases. Last evaluated: 2024-01-23. Review status: criteria provided, single submitter. Criteria: Ambry Variant Classification Scheme 2023. Collection method: clinical testing. Allele origin: germline.

Labcorp Genetics (formerly Invitae), Labcorp
Classification: Uncertain significance for McKusick-Kaufman syndrome; Bardet-Biedl syndrome. Last evaluated: 2022-07-13. Review status: criteria provided, single submitter. Criteria: Invitae Variant Classification Sherloc (09022015). Collection method: clinical testing. Allele origin: germline.
Comment: This variant is present in population databases (rs779747206, gnomAD 0.003%). This variant has not been reported in the literature in individuals affected with MKKS-related conditions. Algorithms developed to predict the effect of missense changes on protein structure and function are either unavailable or do not agree on the potential impact of this missense change (SIFT: "Deleterious"; PolyPhen-2: "Benign"; Align-GVGD: "Class C0"). In summary, the available evidence is currently insufficient to determine the role of this variant in disease. Therefore, it has been classified as a Variant of Uncertain Significance. This sequence change replaces threonine, which is neutral and polar, with arginine, which is basic and polar, at codon 112 of the MKKS protein (p.Thr112Arg).